The following is an entry in ClinVar:

ClinVar aggregate classification (germline): Pathogenic/Likely pathogenic. Review status: criteria provided, multiple submitters, no conflicts (2 of 4 stars). 7 submissions from 7 submitters: Pathogenic (4); Likely pathogenic (1). 2 of the submissions do not count toward it. Last evaluated 2025-07-28.

Conditions:
Mucopolysaccharidosis type 6 (MPS6). Also called: MPS VI; ARSB DEFICIENCY; ARYLSULFATASE B DEFICIENCY; N-ACETYLGALACTOSAMINE-4-SULFATASE DEFICIENCY; MPS 6; Maroteaux Lamy syndrome. Identifiers: Orphanet 583, MedGen C0026709, MONDO:0009661, OMIM 253200.

Allele frequency attached by ClinVar (database versions not stated): ExAC 0.00002; gnomAD 0.00004 and 0.00003; TOPMed 0.00006; gnomAD exomes 0.00003.
gnomAD v4.1: 117 of 1,613,840 alleles (0.0072%); highest among the groups gnomAD compares: Non-Finnish European, 0.0091%; no homozygotes.

Submissions (7):

Natera, Inc.
Classification: Pathogenic for Mucopolysaccharidosis type VI. Last evaluated: 2025-07-28. Review status: criteria provided, single submitter. Criteria: Natera Variant Classification Schema (03/2026). Collection method: clinical testing. Allele origin: germline.
Comment: The c.1178A>C variant in ARSB is a missense variant predicted to cause substitution of histidine to proline at amino acid 393. This variant is rare in the general population with a frequency below the threshold expected for the associated phenotype(s). This variant has been observed in one or more individuals affected with the associated recessive disease, as either homozygous or compound heterozygous with a second variant (PMID: 17458871). Given the available evidence, this variant is classified as Pathogenic.

Labcorp Genetics (formerly Invitae), Labcorp
Classification: Pathogenic for Mucopolysaccharidosis type 6. Last evaluated: 2025-03-30. Review status: criteria provided, single submitter. Criteria: Invitae Variant Classification Sherloc (09022015). Collection method: clinical testing. Allele origin: germline.
Comment: This sequence change replaces histidine, which is basic and polar, with proline, which is neutral and non-polar, at codon 393 of the ARSB protein (p.His393Pro). This variant is present in population databases (rs118203944, gnomAD 0.006%). This missense change has been observed in individual(s) with mucopolysaccharidosis type VI (PMID: 11939792, 17458871). ClinVar contains an entry for this variant (Variation ID: 886). Invitae Evidence Modeling of protein sequence and biophysical properties (such as structural, functional, and spatial information, amino acid conservation, physicochemical variation, residue mobility, and thermodynamic stability) indicates that this missense variant is expected to disrupt ARSB protein function with a positive predictive value of 95%. Experimental studies have shown that this missense change affects ARSB function (PMID: 8651289). This variant disrupts the p.His393 amino acid residue in ARSB. Other variant(s) that disrupt this residue have been observed in individuals with ARSB-related conditions (PMID: 26609033, 27826022), which suggests that this may be a clinically significant amino acid residue. For these reasons, this variant has been classified as Pathogenic.

Mayo Clinic Laboratories, Mayo Clinic
Classification: Pathogenic. Last evaluated: 2025-01-02. Review status: criteria provided, single submitter. Criteria: ACMG Guidelines, 2015. Collection method: clinical testing. Allele origin: germline. Observed: 2 variant alleles.
Comment: PP3_moderate, PP4, PM2_moderate, PM3, PS3, PS4_moderate

Fulgent Genetics
Classification: Likely pathogenic for Mucopolysaccharidosis type 6. Last evaluated: 2024-04-11. Review status: criteria provided, single submitter. Criteria: ACMG Guidelines, 2015. Collection method: clinical testing. Allele origin: germline.

GeneDx
Classification: Pathogenic. Last evaluated: 2015-05-27. Review status: criteria provided, single submitter. Criteria: GeneDx Variant Classification (06012015). Collection method: clinical testing. Allele origin: germline. Affected: yes.
Comment: The H393P variant in the ARSB gene is a common MPS VI variant that has been reported in thehomozygous and the compound heterozygous state in multiple unrelated individuals withmucopolysaccharidosis type VI (MPS VI). Patients with the H393P variant who were compoundheterozygous for different missense variants were reported with variable disease severity (Litjens et al.,1996; Karageorgos et al., 2007). Functional studies of the H393P substitution indicate that it is a severe nullallele resulting in an undetectable enzyme level (Litjens et al., 1996). The H393P variant was notobserved with any significant frequency in approximately 6500 individuals of European and AfricanAmerican ancestry in the NHLBI Exome Sequencing Project, indicating it is not a common benign variantin these populations. The H393P variant is a non-conservative amino acid substitution, which occurs at aposition that is conserved across species. Missense variants in nearby residues (E390K and F399L) havebeen reported in the Human Gene Mutation Database in association with MPS VI (Stenson et al., 2014),supporting the functional importance of this region of the protein. We interpret H393P as a pathogenic variant.

OMIM
Classification: Pathogenic for MUCOPOLYSACCHARIDOSIS, TYPE VI. Last evaluated: 1996-06-01. Review status: no assertion criteria provided. Collection method: literature only. Allele origin: germline. Not counted in ClinVar's aggregate classification.

Laboratory of Diagnosis and Therapy of Lysosomal Disorders, University of Padova
Classification: Uncertain significance for Mucopolysaccharidosis type 6. Last evaluated: 2018-01-01. Review status: flagged submission. Criteria: ACMG Guidelines, 2015. Collection method: curation. Allele origin: germline. Affected: yes. Not counted in ClinVar's aggregate classification.
Comment: Very low frequency in ExAC (PM2); Reputable source identifies as pathogenic (PP5)
ClinVar note: Reason: Outlier claim with insufficient supporting evidence

Literature cited by the submitters: PubMed 17458871 (cited by 4 submitters); PubMed 11939792 (cited by Labcorp Genetics (formerly Invitae), Labcorp and Mayo Clinic Laboratories, Mayo Clinic); PubMed 8651289 (cited by 4 submitters); PubMed 26609033 (cited by Labcorp Genetics (formerly Invitae), Labcorp and Mayo Clinic Laboratories, Mayo Clinic); PubMed 27826022 (cited by Labcorp Genetics (formerly Invitae), Labcorp); PubMed 17161971 (cited by Mayo Clinic Laboratories, Mayo Clinic); PubMed 19968667 (cited by Mayo Clinic Laboratories, Mayo Clinic); PubMed 26586959 (cited by Mayo Clinic Laboratories, Mayo Clinic); PubMed 30118150 (cited by Mayo Clinic Laboratories, Mayo Clinic and Laboratory of Diagnosis and Therapy of Lysosomal Disorders, University of Padova); PubMed 33147747 (cited by Mayo Clinic Laboratories, Mayo Clinic).

NM_000046.5(ARSB):c.1178A>C (p.His393Pro)

Gene: ARSB (arylsulfatase B; minus strand). Cytogenetic location: 5q14.1.
Variant type: single nucleotide variant.
Coding change: c.1178A>C on transcript NM_000046.5 (MANE Select); coding-DNA position 1178, A replaced by C.
Protein change: p.His393Pro; replaces histidine 393 with proline.
Molecular consequence: missense variant.
Genome position (GRCh38, 1-based): chr5:78,839,391, T>G on the plus strand (A>C on the coding strand, the complement: ARSB is on the minus strand). VCF-style: chr5-78839391-T-G. GRCh37 (hg19) VCF-style: chr5-78135214-T-G.
Other names: c.1178A>C, p.His393Pro (NM_198709.3); short protein forms H393P.
Identifiers: ClinVar variation 886 (VCV000000886.18), dbSNP rs118203944, ClinGen allele CA114610.